The following is an entry in ClinVar:

ClinVar aggregate classification (germline): Pathogenic (1 of 4 stars; one submission).

Submission:

Labcorp Genetics (formerly Invitae), Labcorp
Classification: Pathogenic. Last evaluated: 2022-09-30. Review status: criteria provided, single submitter. Criteria: Invitae Variant Classification Sherloc (09022015). Collection method: clinical testing. Allele origin: germline.
Comment: For these reasons, this variant has been classified as Pathogenic. This variant has not been reported in the literature in individuals affected with SPEG-related conditions. A gross deletion of the genomic region encompassing the full coding sequence of the SPEG gene has been identified. Loss-of-function variants in SPEG are known to be pathogenic (PMID: 19118250, 25087613). The boundaries of this event are unknown as they extend beyond the assayed region for this gene and therefore may encompass additional genes.

Literature cited by the submitters: PubMed 19118250; PubMed 25087613.

NC_000002.11:g.(?_220299700)_(220357508_?)del

Gene: SPEG (striated muscle enriched protein kinase; plus strand). Cytogenetic location: 2q35.
Variant type: Deletion.
Identifiers: ClinVar variation 2425430 (VCV002425430.4).